The following is an entry in ClinVar:

NM_000815.5(GABRD):c.876G>A (p.Thr292=)

Gene: GABRD (gamma-aminobutyric acid type A receptor subunit delta; plus strand). Cytogenetic location: 1p36.33.
Variant type: single nucleotide variant.
Coding change: c.876G>A on transcript NM_000815.5 (MANE Select); coding-DNA position 876, G replaced by A.
Protein change: p.Thr292=; no amino-acid change (threonine 292 retained).
Molecular consequence: synonymous variant.
Genome position (GRCh38, 1-based): chr1:2,029,579, G>A. VCF-style: chr1-2029579-G-A. GRCh37 (hg19) VCF-style: chr1-1961018-G-A.
Other names: c.876G>A (NM_000815.4).
Identifiers: ClinVar variation 1954069 (VCV001954069.7), dbSNP rs747305505, ClinGen allele CA534835.

ClinVar aggregate classification (germline): Likely benign. Review status: criteria provided, single submitter (1 of 4 stars). 2 submissions from 2 submitters: Likely benign (1). 1 of the submissions does not count toward it. Last evaluated 2022-08-29.

Conditions:
GABRD-related disorder. Also called: GABRD-related condition.
Idiopathic generalized epilepsy. Also called: Generalised epilepsy; EIG. Identifiers: MedGen C0270850, MONDO:0005579, OMIM 600669.

Allele frequency attached by ClinVar (database versions not stated): TOPMed below 0.00001; gnomAD 0.00001; gnomAD exomes 0.00001; ExAC 0.00002.
gnomAD v4.1: 9 of 1,612,900 alleles (0.00056%); highest among the groups gnomAD compares: East Asian, 0.0022%; no homozygotes.

Submissions (2):

Labcorp Genetics (formerly Invitae), Labcorp
Classification: Likely benign for Idiopathic generalized epilepsy. Last evaluated: 2022-08-29. Review status: criteria provided, single submitter. Criteria: Invitae Variant Classification Sherloc (09022015). Collection method: clinical testing. Allele origin: germline.

PreventionGenetics, part of Exact Sciences
Classification: Likely benign for GABRD-related condition. Last evaluated: 2019-08-14. Review status: no assertion criteria provided. Collection method: clinical testing. Allele origin: germline. Not counted in ClinVar's aggregate classification.
Comment: This variant is classified as likely benign based on ACMG/AMP sequence variant interpretation guidelines (Richards et al. 2015 PMID: 25741868, with internal and published modifications).